The following is an entry in ClinVar:

ClinVar aggregate classification (germline): Uncertain significance (1 of 4 stars; one submission).

Conditions:
Familial thoracic aortic aneurysm and aortic dissection (TAAD). Also called: Thoracic aortic aneurysms and dissections. Identifiers: Orphanet 91387, MedGen C4707243, MONDO:0019625.

gnomAD v4.1: 1 of 1,607,454 alleles (0.000062%); highest among the groups gnomAD compares: Non-Finnish European, 0.000085%; no homozygotes.

Submission:

Ambry Genetics
Classification: Uncertain significance for Familial thoracic aortic aneurysm and aortic dissection. Last evaluated: 2024-12-03. Review status: criteria provided, single submitter. Criteria: Ambry Variant Classification Scheme 2023. Collection method: clinical testing. Allele origin: germline.
Comment: The p.A396S variant (also known as c.1186G>T), located in coding exon 7 of the NOTCH1 gene, results from a G to T substitution at nucleotide position 1186. The alanine at codon 396 is replaced by serine, an amino acid with similar properties. This amino acid position is well conserved in available vertebrate species. In addition, this alteration is predicted to be tolerated by in silico analysis. Based on the available evidence, the clinical significance of this variant remains unclear.

NM_017617.5(NOTCH1):c.1186G>T (p.Ala396Ser)

Gene: NOTCH1 (notch receptor 1; minus strand). Cytogenetic location: 9q34.3.
Variant type: single nucleotide variant.
Coding change: c.1186G>T on transcript NM_017617.5 (MANE Select); coding-DNA position 1186, G replaced by T.
Protein change: p.Ala396Ser; replaces alanine 396 with serine.
Molecular consequence: missense variant.
Genome position (GRCh38, 1-based): chr9:136,518,206, C>A on the plus strand (G>T on the coding strand, the complement: NOTCH1 is on the minus strand). VCF-style: chr9-136518206-C-A. GRCh37 (hg19) VCF-style: chr9-139412658-C-A.
Other names: short protein forms A396S.
Identifiers: ClinVar variation 3406923 (VCV003406923.1).